The following is an entry in ClinVar:

ClinVar aggregate classification (germline): Conflicting classifications of pathogenicity. Review status: criteria provided, conflicting classifications (1 of 4 stars). 19 submissions from 15 submitters: Uncertain significance (5); Benign (4); Likely benign (6). 4 of the submissions do not count toward it. Last evaluated 2026-06-01.

Conditions:
TTN-related disorder. Also called: TTN-related condition; TTN-related disease; TTN-related disorders.
Dilated cardiomyopathy 1G (CMD1G). Identifiers: Orphanet 154, MedGen C1858763, MONDO:0011400, OMIM 604145.
Autosomal recessive limb-girdle muscular dystrophy type 2J (LGMDR10). Also called: Limb-girdle muscular dystrophy, type 2J; MUSCULAR DYSTROPHY, LIMB-GIRDLE, AUTOSOMAL RECESSIVE 10. Identifiers: Orphanet 140922, MedGen C1837342, MONDO:0012127, OMIM 608807.
Cardiomyopathy (CMYO). Also called: Cardiomyopathies. Identifiers: Orphanet 167848, MedGen C0878544, MONDO:0004994, HP:0001638. Inheritance: Various modes of inheritance.
Early-onset myopathy with fatal cardiomyopathy (CMYO5). Also called: Salih Myopathy; CONGENITAL MYOPATHY 5 WITH CARDIOMYOPATHY. Identifiers: Orphanet 289377, MedGen C2673677, MONDO:0012714, OMIM 611705. Disease mechanism: loss of function.
Myopathy, myofibrillar, 9, with early respiratory failure (MFM9). Also called: Hereditary myopathy with early respiratory failure; Myopathy, distal, with early respiratory failure, autosomal dominant; EDSTROM MYOPATHY; MYOPATHY, PROXIMAL, WITH EARLY RESPIRATORY MUSCLE INVOLVEMENT. Identifiers: Orphanet 178464, Orphanet 34521, MedGen C1863599, MONDO:0011362, OMIM 603689.
Tibial muscular dystrophy (TMD). Also called: Udd Distal Myopathy – Tibial Muscular Dystrophy; Tibial muscular dystrophy, tardive; UDD MYOPATHY. Identifiers: Orphanet 609, MedGen C1838244, MONDO:0010870, OMIM 600334.

Allele frequency attached by ClinVar (database versions not stated): ESP Exome Variant Server 0.00058; gnomAD 0.00083; 1000 Genomes Project 0.00100; 1000 Genomes Project 30x 0.00109; TOPMed 0.00127.
gnomAD v4.1: 498 of 1,611,578 alleles (0.031%); highest among the groups gnomAD compares: African/African-American, 0.2%; no homozygotes.

Submissions (19):

CeGaT Center for Human Genetics Tuebingen
Classification: Likely benign. Last evaluated: 2026-06-01. Review status: criteria provided, single submitter. Criteria: CeGaT Center For Human Genetics Tuebingen Variant Classification Criteria Version 2. Collection method: clinical testing. Allele origin: germline. Affected: yes. Observed: 16 variant alleles.
Comment: TTN: BP4

Labcorp Genetics (formerly Invitae), Labcorp
Classification: Likely benign for Dilated cardiomyopathy 1G; Autosomal recessive limb-girdle muscular dystrophy type 2J. Last evaluated: 2026-02-03. Review status: criteria provided, single submitter. Criteria: Invitae Variant Classification Sherloc (09022015). Collection method: clinical testing. Allele origin: germline.

Mayo Clinic Laboratories, Mayo Clinic
Classification: Likely benign. Last evaluated: 2025-05-02. Review status: criteria provided, single submitter. Criteria: ACMG Guidelines, 2015. Collection method: clinical testing. Allele origin: germline. Observed: 6 variant alleles.
Comment: BS1, BP4

Molecular Diagnostic Laboratory for Inherited Cardiovascular Disease, Montreal Heart Institute
Classification: Likely benign. Last evaluated: 2025-04-09. Review status: criteria provided, single submitter. Criteria: ACMG Guidelines, 2015. Collection method: clinical testing. Allele origin: germline. Affected: no.

Blueprint Genetics
Classification: Likely benign. Last evaluated: 2024-11-01. Review status: criteria provided, single submitter. Criteria: ACMG Guidelines, 2015. Collection method: clinical testing. Allele origin: germline.

GeneDx
Classification: Likely benign. Last evaluated: 2020-11-27. Review status: criteria provided, single submitter. Criteria: GeneDx Variant Classification Process June 2021. Collection method: clinical testing. Allele origin: germline. Affected: yes.
Comment: This variant is associated with the following publications: (PMID: 24503780, 27930701)

Women's Health and Genetics/Laboratory Corporation of America, LabCorp
Classification: Benign. Last evaluated: 2020-09-25. Review status: criteria provided, single submitter. Criteria: LabCorp Variant Classification Summary - May 2015. Collection method: clinical testing. Allele origin: germline.
Comment: Variant summary: TTN c.28025C>A (p.Pro9342Gln) results in a non-conservative amino acid change located in the I band region of the encoded protein sequence. Two of four in-silico tools predict a benign effect of the variant on protein function. The variant allele was found at a frequency of 0.00049 in 247940 control chromosomes, predominantly at a frequency of 0.0017 within the African or African-American subpopulation in the gnomAD database. The observed variant frequency within African or African-American control individuals in the gnomAD database is approximately 4 fold of the estimated maximal expected allele frequency for a pathogenic variant in TTN causing Dilated Cardiomyopathy phenotype (0.00039), strongly suggesting that the variant is a benign polymorphism found primarily in populations of African or African-American origin. c.28025C>A has been reported in the literature in individuals affected with Sudden Infant Death Syndrome, Sudden Unexplained Death and Dilated Cardiomyopathy (Sanchez_2016, Pugh_2014, Campuzano_2015) without strong evidence of causality. These reports therefore, do not provide unequivocal conclusions about association of the variant with Dilated Cardiomyopathy. To our knowledge, no experimental evidence demonstrating an impact on protein function has been reported. Eight ClinVar submitters (evaluation after 2014) cite the variant as benign/likely benign (n=4) or uncertain significance (n=4). Based on the evidence outlined above, the variant was classified as benign.

Illumina Laboratory Services, Illumina
Classification: Uncertain significance for Dilated cardiomyopathy 1G. Last evaluated: 2018-01-13. Review status: criteria provided, single submitter. Criteria: ICSL Variant Classification Criteria 13 December 2019. Collection method: clinical testing. Allele origin: germline.

Illumina Laboratory Services, Illumina
Classification: Benign for Tibial muscular dystrophy. Last evaluated: 2018-01-13. Review status: criteria provided, single submitter. Criteria: ICSL Variant Classification Criteria 13 December 2019. Collection method: clinical testing. Allele origin: germline.
Comment: This variant was observed in the ICSL laboratory as part of a predisposition screen in an ostensibly healthy population. It had not been previously curated by ICSL or reported in the Human Gene Mutation Database (HGMD: prior to June 1st, 2018), and was therefore a candidate for classification through an automated scoring system. Utilizing variant allele frequency, disease prevalence and penetrance estimates, and inheritance mode, an automated score was calculated to assess if this variant is too frequent to cause the disease. Based on the score and internal cut-off values, a variant classified as benign is not then subjected to further curation. The score for this variant resulted in a classification of benign for this disease.

Illumina Laboratory Services, Illumina
Classification: Uncertain significance for Autosomal recessive limb-girdle muscular dystrophy type 2J. Last evaluated: 2018-01-13. Review status: criteria provided, single submitter. Criteria: ICSL Variant Classification Criteria 13 December 2019. Collection method: clinical testing. Allele origin: germline.

Illumina Laboratory Services, Illumina
Classification: Uncertain significance for Early-onset myopathy with fatal cardiomyopathy. Last evaluated: 2018-01-13. Review status: criteria provided, single submitter. Criteria: ICSL Variant Classification Criteria 13 December 2019. Collection method: clinical testing. Allele origin: germline.

Illumina Laboratory Services, Illumina
Classification: Benign for Myopathy, myofibrillar, 9, with early respiratory failure. Last evaluated: 2018-01-13. Review status: criteria provided, single submitter. Criteria: ICSL Variant Classification Criteria 13 December 2019. Collection method: clinical testing. Allele origin: germline.
Comment: the same text as in the submission from Illumina Laboratory Services, Illumina above.

CHEO Genetics Diagnostic Laboratory, Children's Hospital of Eastern Ontario
Classification: Benign for Cardiomyopathy. Last evaluated: 2018-01-02. Review status: criteria provided, single submitter. Criteria: ACMG Guidelines, 2015. Collection method: clinical testing. Allele origin: germline.

Eurofins Ntd Llc (ga)
Classification: Uncertain significance. Last evaluated: 2015-07-21. Review status: criteria provided, single submitter. Criteria: EGL Classification Definitions 2015. Collection method: clinical testing. Allele origin: germline. Observed: 1 variant allele, 1 heterozygote.

Laboratory for Molecular Medicine, Mass General Brigham Personalized Medicine
Classification: Uncertain significance. Last evaluated: 2015-04-18. Review status: criteria provided, single submitter. Criteria: LMM Criteria. Collection method: clinical testing. Allele origin: germline. Observed: 3 variant alleles.
Comment: Variant classified as Uncertain Significance - Favor Benign. This variant has also been identified in 0.16% (16/9754) of African chromosomes by the Exome Aggregation Consortium (ExAC; dbSNP rs200459347). Computational prediction tools a nd conservation analysis suggest that this variant may not impact the protein, t hough this information is not predictive enough to rule out pathogenicity. In su mmary, while the clinical significance of the p.Pro9342Gln variant is uncertain, its frequency suggests that it is more likely to be benign.

PreventionGenetics, part of Exact Sciences
Classification: Likely benign for TTN-related condition. Last evaluated: 2021-04-29. Review status: no assertion criteria provided. Collection method: clinical testing. Allele origin: germline. Not counted in ClinVar's aggregate classification.
Comment: This variant is classified as likely benign based on ACMG/AMP sequence variant interpretation guidelines (Richards et al. 2015 PMID: 25741868, with internal and published modifications).

Clinical Genetics DNA and cytogenetics Diagnostics Lab, Erasmus MC, Erasmus Medical Center
Classification: Likely benign. Review status: no assertion criteria provided. Collection method: clinical testing. Allele origin: germline. Affected: yes. Study: VKGL Data-share Consensus. Not counted in ClinVar's aggregate classification.

Clinical Genetics, Academic Medical Center
Classification: Benign. Review status: no assertion criteria provided. Collection method: clinical testing. Allele origin: germline. Affected: yes. Study: VKGL Data-share Consensus. Not counted in ClinVar's aggregate classification.

Joint Genome Diagnostic Labs from Nijmegen and Maastricht, Radboudumc and MUMC+
Classification: Likely benign. Review status: no assertion criteria provided. Collection method: clinical testing. Allele origin: germline. Affected: yes. Study: VKGL Data-share Consensus. Not counted in ClinVar's aggregate classification.

Literature cited by the submitters: PubMed 24503780 (cited by Women's Health and Genetics/Laboratory Corporation of America, LabCorp); PubMed 27930701 (cited by Women's Health and Genetics/Laboratory Corporation of America, LabCorp); PubMed 26516846 (cited by Women's Health and Genetics/Laboratory Corporation of America, LabCorp).

NM_001267550.2(TTN):c.31757C>A (p.Pro10586Gln)

Gene: TTN (titin; minus strand). Cytogenetic location: 2q31.2.
Variant type: single nucleotide variant.
Coding change: c.31757C>A on transcript NM_001267550.2 (MANE Select); coding-DNA position 31757, C replaced by A.
Protein change: p.Pro10586Gln; replaces proline 10586 with glutamine.
Molecular consequence: missense variant. On other transcripts: intron variant (3).
Genome position (GRCh38, 1-based): chr2:178,692,021, G>T on the plus strand (C>A on the coding strand, the complement: TTN is on the minus strand). VCF-style: chr2-178692021-G-T. GRCh37 (hg19) VCF-style: chr2-179556748-G-T.
Other names: p.P10269Q:CCA>CAA; p.Pro10269Gln; c.30806C>A, p.Pro10269Gln (NM_001256850.1); c.28025C>A, p.Pro9342Gln (NM_133378.4); c.13282+46061C>A (NM_003319.4); c.13858+46061C>A (NM_133437.4); c.13657+46061C>A (NM_133432.3); short protein forms P10586Q, P9342Q, P10269Q.
Identifiers: ClinVar variation 46853 (VCV000046853.73), dbSNP rs200459347, ClinGen allele CA139360.